The following is an entry in ClinVar:

NM_000243.3(MEFV):c.1174G>A (p.Glu392Lys)

Gene: MEFV (MEFV innate immunity regulator, pyrin; minus strand). Cytogenetic location: 16p13.3.
Variant type: single nucleotide variant.
Coding change: c.1174G>A on transcript NM_000243.3 (MANE Select); coding-DNA position 1174, G replaced by A.
Protein change: p.Glu392Lys; replaces glutamic acid 392 with lysine.
Molecular consequence: missense variant.
Genome position (GRCh38, 1-based): chr16:3,249,517, C>T on the plus strand (G>A on the coding strand, the complement: MEFV is on the minus strand). VCF-style: chr16-3249517-C-T. GRCh37 (hg19) VCF-style: chr16-3299517-C-T.
Other names: c.541G>A, p.Glu181Lys (NM_001198536.2); short protein forms E181K, E392K.
Identifiers: ClinVar variation 1317302 (VCV001317302.2), dbSNP rs1390626254, ClinGen allele CA394469780.

ClinVar aggregate classification (germline): Uncertain significance (1 of 4 stars; one submission).

Allele frequency attached by ClinVar (database versions not stated): gnomAD exomes below 0.00001; TOPMed below 0.00001.

Submission:

GeneDx
Classification: Uncertain significance. Last evaluated: 2019-07-12. Review status: criteria provided, single submitter. Criteria: GeneDx Variant Classification Process June 2021. Collection method: clinical testing. Allele origin: germline. Affected: yes.
Comment: Not observed in large population cohorts (Lek et al., 2016); In silico analysis, which includes protein predictors and evolutionary conservation, supports that this variant does not alter protein structure/function